The following is an entry in ClinVar:

ClinVar aggregate classification (germline): Uncertain significance. Review status: criteria provided, multiple submitters, no conflicts (2 of 4 stars). 2 submissions from 2 submitters: Uncertain significance (2). Last evaluated 2023-07-04.

Conditions:
Familial hypocalciuric hypercalcemia (FHH). Also called: Familial benign hypercalcemia. Identifiers: Orphanet 405, MedGen C1809471, MONDO:0018458.
Autosomal dominant hypocalcemia 1 (HYPOC1). Also called: HYPOCALCEMIA, FAMILIAL. Identifiers: MedGen C3715128, MONDO:0011013, OMIM 601198.
Nephrolithiasis/nephrocalcinosis. Identifiers: MedGen CN580796.

Allele frequency attached by ClinVar (database versions not stated): gnomAD exomes below 0.00001.
gnomAD v4.1: 2 of 1,614,040 alleles (0.00012%); highest among the groups gnomAD compares: Middle Eastern, 0.016%; no homozygotes.

Submissions (2):

Ambry Genetics
Classification: Uncertain significance for Nephrolithiasis/nephrocalcinosis. Last evaluated: 2023-07-04. Review status: criteria provided, single submitter. Criteria: Ambry Variant Classification Scheme 2023. Collection method: clinical testing. Allele origin: germline.
Comment: The p.R752G variant (also known as c.2254C>G), located in coding exon 6 of the CASR gene, results from a C to G substitution at nucleotide position 2254. The arginine at codon 752 is replaced by glycine, an amino acid with dissimilar properties. This amino acid position is conserved. In addition, this alteration is predicted to be deleterious by in silico analysis. Since supporting evidence is limited at this time, the clinical significance of this alteration remains unclear.

Labcorp Genetics (formerly Invitae), Labcorp
Classification: Uncertain significance for Familial hypocalciuric hypercalcemia; Autosomal dominant hypocalcemia 1. Last evaluated: 2023-01-14. Review status: criteria provided, single submitter. Criteria: Invitae Variant Classification Sherloc (09022015). Collection method: clinical testing. Allele origin: germline.
Comment: This sequence change replaces arginine, which is basic and polar, with glycine, which is neutral and non-polar, at codon 752 of the CASR protein (p.Arg752Gly). This variant is present in population databases (no rsID available, gnomAD no frequency). This variant has not been reported in the literature in individuals affected with CASR-related conditions. ClinVar contains an entry for this variant (Variation ID: 578501). Algorithms developed to predict the effect of missense changes on protein structure and function are either unavailable or do not agree on the potential impact of this missense change (SIFT: "Deleterious"; PolyPhen-2: "Benign"; Align-GVGD: "Class C65"). In summary, the available evidence is currently insufficient to determine the role of this variant in disease. Therefore, it has been classified as a Variant of Uncertain Significance.

NM_000388.4(CASR):c.2254C>G (p.Arg752Gly)

Gene: CASR (calcium sensing receptor; plus strand). Cytogenetic location: 3q21.1.
Variant type: single nucleotide variant.
Coding change: c.2254C>G on transcript NM_000388.4 (MANE Select); coding-DNA position 2254, C replaced by G.
Protein change: p.Arg752Gly; replaces arginine 752 with glycine.
Molecular consequence: missense variant.
Genome position (GRCh38, 1-based): chr3:122,284,208, C>G. VCF-style: chr3-122284208-C-G. GRCh37 (hg19) VCF-style: chr3-122003055-C-G.
Other names: c.2284C>G, p.Arg762Gly (NM_001178065.2); short protein forms R752G, R762G.
Identifiers: ClinVar variation 578501 (VCV000578501.12), dbSNP rs193922434, ClinGen allele CA354159192.